The following is an entry in ClinVar:

NM_000277.3(PAH):c.1282C>T (p.Gln428Ter)

Gene: PAH (phenylalanine hydroxylase; minus strand). Cytogenetic location: 12q23.2.
Variant type: single nucleotide variant.
Coding change: c.1282C>T on transcript NM_000277.3 (MANE Select); coding-DNA position 1282, C replaced by T.
Protein change: p.Gln428Ter; replaces glutamine 428 with a stop codon.
Molecular consequence: nonsense.
Genome position (GRCh38, 1-based): chr12:102,840,433, G>A on the plus strand (C>T on the coding strand, the complement: PAH is on the minus strand). VCF-style: chr12-102840433-G-A. GRCh37 (hg19) VCF-style: chr12-103234211-G-A.
Other names: c.1282C>T, p.Gln428Ter (NM_001354304.2); c.1282C>T (NM_000277.2); short protein forms Q428*.
Identifiers: ClinVar variation 371497 (VCV000371497.14), dbSNP rs567261857, ClinGen allele CA16041558.
Genomic context (GRCh38, chr12:102,840,433, plus strand): 5'-TGGCCTCGTAAGGTGTAAATTACTTACTGTTAATGGAATCAGCCAAAATCTTAAGCTGCT[G>A]GGTATTGTCCAAGACCTCAATCCTTTGGGTGTATGGGTCGTAGCGAACTGAGAAGGGCCG-3'

ClinVar aggregate classification (germline): Pathogenic/Likely pathogenic. Review status: criteria provided, multiple submitters, no conflicts (2 of 4 stars). 4 submissions from 4 submitters: Pathogenic (1); Likely pathogenic (2). 1 of the submissions does not count toward it. Last evaluated 2026-01-06.

Conditions:
Phenylketonuria (PKU). Also called: OLIGOPHRENIA PHENYLPYRUVICA; Phenylketonurias; FOLLING DISEASE; Phenylketonuria (PKU). Identifiers: Orphanet 716, MedGen C0031485, MONDO:0009861, OMIM 261600. Disease mechanism: loss of function.

gnomAD v4.1: 1 of 1,613,764 alleles (0.000062%); highest among the groups gnomAD compares: Non-Finnish European, 0.000085%; no homozygotes.

Submissions (4):

Natera, Inc.
Classification: Likely pathogenic for Phenylketonuria. Last evaluated: 2026-01-06. Review status: criteria provided, single submitter. Criteria: Natera Variant Classification Schema (03/2026). Collection method: clinical testing. Allele origin: germline.
Comment: The c.1282C>T variant in PAH is a nonsense variant predicted to introduce a stop codon at amino acid 428. This variant is expected to result in nonsense mediated decay, truncation, or a dysfunctional protein product. This variant is rare in the general population with a frequency below the threshold expected for the associated phenotype(s). Given the available evidence, this variant is classified as Likely Pathogenic.

Labcorp Genetics (formerly Invitae), Labcorp
Classification: Pathogenic for Phenylketonuria. Last evaluated: 2024-10-12. Review status: criteria provided, single submitter. Criteria: Invitae Variant Classification Sherloc (09022015). Collection method: clinical testing. Allele origin: germline.
Comment: This sequence change creates a premature translational stop signal (p.Gln428*) in the PAH gene. While this is not anticipated to result in nonsense mediated decay, it is expected to disrupt the last 25 amino acid(s) of the PAH protein. This variant is not present in population databases (gnomAD no frequency). This premature translational stop signal has been observed in individual(s) with hyperphenylalaninemia (PMID: 34828281). ClinVar contains an entry for this variant (Variation ID: 371497). Algorithms developed to predict the effect of sequence changes on RNA splicing suggest that this variant may disrupt the consensus splice site. This variant disrupts a region of the PAH protein in which other variant(s) (p.Ala447Asp) have been determined to be pathogenic (PMID: 8659548, 9540801, 23430918). This suggests that this is a clinically significant region of the protein, and that variants that disrupt it are likely to be disease-causing. For these reasons, this variant has been classified as Pathogenic.

Quest Diagnostics Nichols Institute San Juan Capistrano
Classification: Likely pathogenic. Last evaluated: 2018-04-26. Review status: criteria provided, single submitter. Criteria: Quest Diagnostics criteria. Collection method: clinical testing. Allele origin: germline.

Counsyl
Classification: Likely pathogenic for Phenylketonuria. Last evaluated: 2016-10-05. Review status: no assertion criteria provided. Collection method: clinical testing. Allele origin: unknown. Not counted in ClinVar's aggregate classification.

Literature cited by the submitters: PubMed 34828281 (cited by Labcorp Genetics (formerly Invitae), Labcorp); PubMed 8659548 (cited by Labcorp Genetics (formerly Invitae), Labcorp); PubMed 9540801 (cited by Labcorp Genetics (formerly Invitae), Labcorp); PubMed 23430918 (cited by Labcorp Genetics (formerly Invitae), Labcorp).